The following is an entry in ClinVar:

NM_016507.4(CDK12):c.2093A>G (p.Tyr698Cys)

Gene: CDK12 (cyclin dependent kinase 12; plus strand). Cytogenetic location: 17q12.
Variant type: single nucleotide variant.
Coding change: c.2093A>G on transcript NM_016507.4 (MANE Select); coding-DNA position 2093, A replaced by G.
Protein change: p.Tyr698Cys; replaces tyrosine 698 with cysteine.
Molecular consequence: missense variant.
Genome position (GRCh38, 1-based): chr17:39,490,718, A>G. VCF-style: chr17-39490718-A-G. GRCh37 (hg19) VCF-style: chr17-37646971-A-G.
Other names: c.2093A>G, p.Tyr698Cys (NM_015083.4); short protein forms Y698C.
Identifiers: ClinVar variation 3830580 (VCV003830580.1).

ClinVar aggregate classification (germline): Uncertain significance (1 of 4 stars; one submission).

gnomAD v4.1: 5 of 1,601,410 alleles (0.00031%); highest among the groups gnomAD compares: Admixed American, 0.0035%; no homozygotes.

Submission:

Ambry Genetics
Classification: Uncertain significance. Last evaluated: 2025-01-31. Review status: criteria provided, single submitter. Criteria: Ambry Variant Classification Scheme 2023. Collection method: clinical testing. Allele origin: germline.
Comment: The p.Y698C variant (also known as c.2093A>G), located in coding exon 3 of the CDK12 gene, results from an A to G substitution at nucleotide position 2093. The tyrosine at codon 698 is replaced by cysteine, an amino acid with highly dissimilar properties. This amino acid position is conserved. In addition, this alteration is predicted to be tolerated by in silico analysis. Based on the available evidence, the clinical significance of this variant remains unclear.